The following is an entry in ClinVar:

NM_015627.3(LDLRAP1):c.490G>T (p.Ala164Ser)

Gene: LDLRAP1 (low density lipoprotein receptor adaptor protein 1; plus strand). Cytogenetic location: 1p36.11.
Variant type: single nucleotide variant.
Coding change: c.490G>T on transcript NM_015627.3 (MANE Select); coding-DNA position 490, G replaced by T.
Protein change: p.Ala164Ser; replaces alanine 164 with serine.
Molecular consequence: missense variant.
Genome position (GRCh38, 1-based): chr1:25,562,674, G>T. VCF-style: chr1-25562674-G-T. GRCh37 (hg19) VCF-style: chr1-25889165-G-T.
Other names: short protein forms A164S.
Identifiers: ClinVar variation 3251796 (VCV003251796.1), dbSNP rs927994472.

ClinVar aggregate classification (germline): Uncertain significance (1 of 4 stars; one submission).

gnomAD v4.1: 5 of 1,614,196 alleles (0.00031%); highest among the groups gnomAD compares: South Asian, 0.0055%; no homozygotes.

Submission:

Women's Health and Genetics/Laboratory Corporation of America, LabCorp
Classification: Uncertain significance. Last evaluated: 2024-04-22. Review status: criteria provided, single submitter. Criteria: LabCorp Variant Classification Summary - May 2015. Collection method: clinical testing. Allele origin: germline.
Comment: Variant summary: LDLRAP1 c.490G>T (p.Ala164Ser) results in a conservative amino acid change located in the PTB/PI domain (IPR006020) of the encoded protein sequence. Three of five in-silico tools predict a benign effect of the variant on protein function. The variant allele was found at a frequency of 4e-06 in 251462 control chromosomes. The available data on variant occurrences in the general population are insufficient to allow any conclusion about variant significance. To our knowledge, no occurrence of c.490G>T in individuals affected with Familial Hypercholesterolemia and no experimental evidence demonstrating its impact on protein function have been reported. No submitters have cited clinical-significance assessments for this variant to ClinVar. Based on the evidence outlined above, the variant was classified as uncertain significance.